The following is an entry in ClinVar:

ClinVar aggregate classification (germline): Likely benign. Review status: criteria provided, multiple submitters, no conflicts (2 of 4 stars). 3 submissions from 3 submitters: Likely benign (2). 1 of the submissions does not count toward it. Last evaluated 2026-01-02.

Conditions:
Dyskeratosis congenita. Identifiers: Orphanet 1775, MedGen C0265965, MONDO:0015780.
TINF2-related disorder. Also called: TINF2-related condition.

Allele frequency attached by ClinVar (database versions not stated): TOPMed below 0.00001; gnomAD 0.00001.

Submissions (3):

Labcorp Genetics (formerly Invitae), Labcorp
Classification: Likely benign for Dyskeratosis congenita. Last evaluated: 2026-01-02. Review status: criteria provided, single submitter. Criteria: Invitae Variant Classification Sherloc (09022015). Collection method: clinical testing. Allele origin: germline.

Ambry Genetics
Classification: Likely benign for Dyskeratosis congenita. Last evaluated: 2025-01-17. Review status: criteria provided, single submitter. Criteria: Ambry Variant Classification Scheme 2023. Collection method: clinical testing. Allele origin: germline.

PreventionGenetics, part of Exact Sciences
Classification: Likely benign for TINF2-related condition. Last evaluated: 2024-04-02. Review status: no assertion criteria provided. Collection method: clinical testing. Allele origin: germline. Not counted in ClinVar's aggregate classification.
Comment: This variant is classified as likely benign based on ACMG/AMP sequence variant interpretation guidelines (Richards et al. 2015 PMID: 25741868, with internal and published modifications).

NM_001099274.3(TINF2):c.783C>A (p.Ala261=)

Gene: TINF2 (TERF1 interacting nuclear factor 2; minus strand). Cytogenetic location: 14q12.
Variant type: single nucleotide variant.
Coding change: c.783C>A on transcript NM_001099274.3 (MANE Select); coding-DNA position 783, C replaced by A.
Protein change: p.Ala261=; no amino-acid change (alanine 261 retained).
Molecular consequence: synonymous variant.
Genome position (GRCh38, 1-based): chr14:24,240,697, G>T on the plus strand (C>A on the coding strand, the complement: TINF2 is on the minus strand). VCF-style: chr14-24240697-G-T. GRCh37 (hg19) VCF-style: chr14-24709903-G-T.
Other names: c.783C>A, p.Ala261= (NM_012461.3); c.678C>A, p.Ala226= (NM_001363668.2); c.783C>A (NM_001099274.1).
Identifiers: ClinVar variation 1403448 (VCV001403448.10), dbSNP rs1468911267, ClinGen allele CA485782237.